The following is an entry in ClinVar:

NM_000059.4(BRCA2):c.7726G>C (p.Gly2576Arg)

Gene: BRCA2 (BRCA2 DNA repair associated; plus strand). Cytogenetic location: 13q13.1.
Variant type: single nucleotide variant.
Coding change: c.7726G>C on transcript NM_000059.4 (MANE Select); coding-DNA position 7726, G replaced by C.
Protein change: p.Gly2576Arg; replaces glycine 2576 with arginine.
Molecular consequence: missense variant.
Genome position (GRCh38, 1-based): chr13:32,357,850, G>C. VCF-style: chr13-32357850-G-C. GRCh37 (hg19) VCF-style: chr13-32931987-G-C.
Other names: short protein forms G2576R.
Identifiers: ClinVar variation 647179 (VCV000647179.9), dbSNP rs1210418849, ClinGen allele CA387745486.

ClinVar aggregate classification (germline): Uncertain significance (1 of 4 stars; one submission).

Conditions:
Hereditary breast ovarian cancer syndrome. Also called: Hereditary breast and ovarian cancer; Hereditary breast and ovarian cancer syndrome; BRCA1- and BRCA2-Associated Hereditary Breast and Ovarian Cancer; Hereditary breast and ovarian cancer syndrome (HBOC); Breast and ovarian cancer; Hereditary breast and/or ovarian cancer syndrome. Identifiers: Orphanet 145, MedGen C0677776, MeSH D061325, MONDO:0003582. Disease mechanism: loss of function.

Submission:

Labcorp Genetics (formerly Invitae), Labcorp
Classification: Uncertain significance for Hereditary breast ovarian cancer syndrome. Last evaluated: 2022-03-27. Review status: criteria provided, single submitter. Criteria: Invitae Variant Classification Sherloc (09022015). Collection method: clinical testing. Allele origin: germline.
Comment: In summary, the available evidence is currently insufficient to determine the role of this variant in disease. Therefore, it has been classified as a Variant of Uncertain Significance. Advanced modeling of protein sequence and biophysical properties (such as structural, functional, and spatial information, amino acid conservation, physicochemical variation, residue mobility, and thermodynamic stability) performed at Invitae indicates that this missense variant is not expected to disrupt BRCA2 protein function. ClinVar contains an entry for this variant (Variation ID: 647179). This variant has not been reported in the literature in individuals affected with BRCA2-related conditions. This variant is not present in population databases (gnomAD no frequency). This sequence change replaces glycine, which is neutral and non-polar, with arginine, which is basic and polar, at codon 2576 of the BRCA2 protein (p.Gly2576Arg).